The following is an entry in ClinVar:

ClinVar aggregate classification (germline): Uncertain significance. Review status: criteria provided, multiple submitters, no conflicts (2 of 4 stars). 3 submissions from 3 submitters: Uncertain significance (3). Last evaluated 2025-03-04.

Conditions:
DICER1-related tumor predisposition. Also called: DICER1-related pleuropulmonary blastoma cancer predisposition syndrome; DICER1 syndrome. Identifiers: Orphanet 284343, MedGen C3839822, MONDO:0100216.
Hereditary cancer-predisposing syndrome. Also called: Hereditary neoplastic syndrome; Hereditary Cancer Syndrome; Neoplastic Syndromes, Hereditary; Tumor predisposition. Identifiers: Orphanet 140162, MedGen C0027672, MeSH D009386, MONDO:0015356.

Allele frequency attached by ClinVar (database versions not stated): gnomAD exomes below 0.00001.
gnomAD v4.1: 2 of 1,613,340 alleles (0.00012%); highest among the groups gnomAD compares: Admixed American, 0.0017%; no homozygotes.

Submissions (3):

Center for Genomic Medicine, Rigshospitalet, Copenhagen University Hospital
Classification: Uncertain significance. Last evaluated: 2025-03-04. Review status: criteria provided, single submitter. Criteria: ACMG Guidelines, 2015. Collection method: clinical testing. Allele origin: germline.

Ambry Genetics
Classification: Uncertain significance for Hereditary cancer-predisposing syndrome. Last evaluated: 2025-02-21. Review status: criteria provided, single submitter. Criteria: Ambry Variant Classification Scheme 2023. Collection method: clinical testing. Allele origin: germline.
Comment: The p.P185R variant (also known as c.554C>G), located in coding exon 4 of the DICER1 gene, results from a C to G substitution at nucleotide position 554. The proline at codon 185 is replaced by arginine, an amino acid with dissimilar properties. This amino acid position is highly conserved in available vertebrate species. In addition, the in silico prediction for this alteration is inconclusive. Based on the available evidence, the clinical significance of this variant remains unclear.

Labcorp Genetics (formerly Invitae), Labcorp
Classification: Uncertain significance for DICER1-related tumor predisposition. Last evaluated: 2023-11-02. Review status: criteria provided, single submitter. Criteria: Invitae Variant Classification Sherloc (09022015). Collection method: clinical testing. Allele origin: germline.
Comment: This sequence change replaces proline, which is neutral and non-polar, with arginine, which is basic and polar, at codon 185 of the DICER1 protein (p.Pro185Arg). This variant is present in population databases (no rsID available, gnomAD 0.003%). This variant has not been reported in the literature in individuals affected with DICER1-related conditions. ClinVar contains an entry for this variant (Variation ID: 1368896). Advanced modeling of protein sequence and biophysical properties (such as structural, functional, and spatial information, amino acid conservation, physicochemical variation, residue mobility, and thermodynamic stability) performed at Invitae indicates that this missense variant is expected to disrupt DICER1 protein function with a positive predictive value of 80%. In summary, the available evidence is currently insufficient to determine the role of this variant in disease. Therefore, it has been classified as a Variant of Uncertain Significance.

NM_177438.3(DICER1):c.554C>G (p.Pro185Arg)

Gene: DICER1 (dicer 1, ribonuclease III; minus strand). Cytogenetic location: 14q32.13.
Variant type: single nucleotide variant.
Coding change: c.554C>G on transcript NM_177438.3 (MANE Select); coding-DNA position 554, C replaced by G.
Protein change: p.Pro185Arg; replaces proline 185 with arginine.
Molecular consequence: missense variant.
Genome position (GRCh38, 1-based): chr14:95,130,077, G>C on the plus strand (C>G on the coding strand, the complement: DICER1 is on the minus strand). VCF-style: chr14-95130077-G-C. GRCh37 (hg19) VCF-style: chr14-95596414-G-C.
Other names: c.554C>G, p.Pro185Arg (NM_001195573.1, NM_001271282.3, NM_001291628.2 and 1 more transcripts); short protein forms P185R.
Identifiers: ClinVar variation 1368896 (VCV001368896.12), dbSNP rs1170562259, ClinGen allele CA390888366.